The following is an entry in ClinVar:

ClinVar aggregate classification (germline): Conflicting classifications of pathogenicity. Review status: criteria provided, conflicting classifications (1 of 4 stars). 2 submissions from 2 submitters: Uncertain significance (1); Likely benign (1). Last evaluated 2025-11-25.

Conditions:
Ataxia-telangiectasia syndrome (AT). Also called: ATAXIA-TELANGIECTASIA, FRESNO VARIANT; Ataxia-telangiectasia, complementation group D; Cerebello-oculocutaneous telangiectasia; Immunodeficiency with ataxia telangiectasia; Ataxia-telangiectasia; Ataxia telangiectasia (A-T). Identifiers: Orphanet 100, MedGen C0004135, MONDO:0008840, OMIM 208900.
Hereditary cancer-predisposing syndrome. Also called: Neoplastic Syndromes, Hereditary; Hereditary neoplastic syndrome; Hereditary Cancer Syndrome; Tumor predisposition. Identifiers: Orphanet 140162, MedGen C0027672, MeSH D009386, MONDO:0015356.

Submissions (2):

Ambry Genetics
Classification: Likely benign for Hereditary cancer-predisposing syndrome. Last evaluated: 2025-11-25. Review status: criteria provided, single submitter. Criteria: Ambry Variant Classification Scheme 2023. Collection method: clinical testing. Allele origin: germline.

Labcorp Genetics (formerly Invitae), Labcorp
Classification: Uncertain significance for Ataxia-telangiectasia syndrome. Last evaluated: 2018-12-03. Review status: criteria provided, single submitter. Criteria: Invitae Variant Classification Sherloc (09022015). Collection method: clinical testing. Allele origin: germline.
Comment: This sequence change replaces alanine with valine at codon 135 of the ATM protein (p.Ala135Val). The alanine residue is weakly conserved and there is a small physicochemical difference between alanine and valine. This variant is not present in population databases (ExAC no frequency). This variant has not been reported in the literature in individuals with ATM-related conditions. Algorithms developed to predict the effect of missense changes on protein structure and function output the following: SIFT: "Tolerated"; PolyPhen-2: "Benign"; Align-GVGD: "Class C0". The valine amino acid residue is found in multiple mammalian species, suggesting that this missense change does not adversely affect protein function. These predictions have not been confirmed by published functional studies and their clinical significance is uncertain. In summary, the available evidence is currently insufficient to determine the role of this variant in disease. Therefore, it has been classified as a Variant of Uncertain Significance.

NM_000051.4(ATM):c.404C>T (p.Ala135Val)

Gene: ATM (ATM serine/threonine kinase; plus strand). Cytogenetic location: 11q22.3.
Variant type: single nucleotide variant.
Coding change: c.404C>T on transcript NM_000051.4 (MANE Select); coding-DNA position 404, C replaced by T.
Protein change: p.Ala135Val; replaces alanine 135 with valine.
Molecular consequence: missense variant.
Genome position (GRCh38, 1-based): chr11:108,235,742, C>T. VCF-style: chr11-108235742-C-T. GRCh37 (hg19) VCF-style: chr11-108106469-C-T.
Other names: c.404C>T, p.Ala135Val (NM_001351834.2); short protein forms A135V.
Identifiers: ClinVar variation 655881 (VCV000655881.9), dbSNP rs1555059254, ClinGen allele CA382525000.
Genomic context (GRCh38, chr11:108,235,742, plus strand): 5'-TAAAATGTCAAGAACTCTTAAATTATATCATGGATACAGTGAAAGATTCATCTAATGGTG[C>T]TATTTACGGAGCTGATTGTAGCAACATACTACTCAAAGACATTCTTTCTGTGAGAAAATA-3'
Protein context (NP_000042.3, residues 125-145): MDTVKDSSNG[Ala135Val]IYGADCSNIL